The following is an entry in ClinVar:

NM_001164508.2(NEB):c.18981C>A (p.Tyr6327Ter)

Gene: NEB (nebulin; minus strand). Cytogenetic location: 2q23.3.
Variant type: single nucleotide variant.
Coding change: c.18981C>A on transcript NM_001164508.2 (MANE Select); coding-DNA position 18981, C replaced by A.
Protein change: p.Tyr6327Ter; replaces tyrosine 6327 with a stop codon.
Molecular consequence: nonsense.
Genome position (GRCh38, 1-based): chr2:151,562,125, G>T on the plus strand (C>A on the coding strand, the complement: NEB is on the minus strand). VCF-style: chr2-151562125-G-T. GRCh37 (hg19) VCF-style: chr2-152418639-G-T.
Other names: c.18981C>A, p.Tyr6327Ter (NM_001164507.2, NM_001271208.2); c.13878C>A, p.Tyr4626Ter (NM_004543.5); short protein forms Y4626*, Y6327*.
Identifiers: ClinVar variation 1074050 (VCV001074050.10), dbSNP rs761964375, ClinGen allele CA348796639.

ClinVar aggregate classification (germline): Pathogenic. Review status: criteria provided, multiple submitters, no conflicts (2 of 4 stars). 2 submissions from 2 submitters: Pathogenic (2). Last evaluated 2024-08-08.

Conditions:
Nemaline myopathy 2 (NEM2). Also called: Nemaline myopathy 2, autosomal recessive. Identifiers: MedGen C1850569, MONDO:0009725, OMIM 256030.

Submissions (2):

Myriad Genetics, Inc.
Classification: Pathogenic for Nemaline myopathy 2. Last evaluated: 2024-08-08. Review status: criteria provided, single submitter. Criteria: Myriad Autosomal Dominant, Autosomal Recessive and X-Linked Classification Criteria (2023). Collection method: clinical testing. Allele origin: unknown.
Comment: NM_001271208.1(NEB):c.18981C>A(Y6327*) is expected to be pathogenic in the context of NEB-related nemaline myopathy. This variant is predicted to lead to an abnormal or absent protein product due to the creation of a premature termination codon in NEB, a gene where loss-of-function variants are known to be pathogenic. Please note: this variant was assessed in the context of healthy population screening.

Labcorp Genetics (formerly Invitae), Labcorp
Classification: Pathogenic for Nemaline myopathy 2. Last evaluated: 2023-04-10. Review status: criteria provided, single submitter. Criteria: Invitae Variant Classification Sherloc (09022015). Collection method: clinical testing. Allele origin: germline.
Comment: ClinVar contains an entry for this variant (Variation ID: 1074050). This premature translational stop signal has been observed in individual(s) with clinical features of congenital nemaline myopathy (PMID: 29274205). In at least one individual the data is consistent with being in trans (on the opposite chromosome) from a pathogenic variant. It has also been observed to segregate with disease in related individuals. This variant is not present in population databases (gnomAD no frequency). This sequence change creates a premature translational stop signal (p.Tyr6327*) in the NEB gene. It is expected to result in an absent or disrupted protein product. Loss-of-function variants in NEB are known to be pathogenic (PMID: 25205138). For these reasons, this variant has been classified as Pathogenic.

Literature cited by the submitters: PubMed 29274205 (cited by Labcorp Genetics (formerly Invitae), Labcorp); PubMed 25205138 (cited by Labcorp Genetics (formerly Invitae), Labcorp).